The following is an entry in ClinVar:

ClinVar aggregate classification (germline): Uncertain significance. Review status: criteria provided, multiple submitters, no conflicts (2 of 4 stars). 2 submissions from 2 submitters: Uncertain significance (2). Last evaluated 2026-01-21.

Allele frequency attached by ClinVar (database versions not stated): gnomAD 0.00001; TOPMed 0.00001.

Submissions (2):

Ambry Genetics
Classification: Uncertain significance. Last evaluated: 2026-01-21. Review status: criteria provided, single submitter. Criteria: Ambry Variant Classification Scheme 2023. Collection method: clinical testing. Allele origin: germline.

Labcorp Genetics (formerly Invitae), Labcorp
Classification: Uncertain significance. Last evaluated: 2024-11-05. Review status: criteria provided, single submitter. Criteria: Invitae Variant Classification Sherloc (09022015). Collection method: clinical testing. Allele origin: germline.
Comment: This sequence change replaces glycine, which is neutral and non-polar, with glutamic acid, which is acidic and polar, at codon 82 of the CEP250 protein (p.Gly82Glu). This variant is not present in population databases (gnomAD no frequency). This variant has not been reported in the literature in individuals affected with CEP250-related conditions. ClinVar contains an entry for this variant (Variation ID: 1495799). An algorithm developed to predict the effect of missense changes on protein structure and function (PolyPhen-2) suggests that this variant is likely to be tolerated. In summary, the available evidence is currently insufficient to determine the role of this variant in disease. Therefore, it has been classified as a Variant of Uncertain Significance.

NM_007186.6(CEP250):c.245G>A (p.Gly82Glu)

Gene: CEP250 (centrosomal protein 250; plus strand). Cytogenetic location: 20q11.22.
Variant type: single nucleotide variant.
Coding change: c.245G>A on transcript NM_007186.6 (MANE Select); coding-DNA position 245, G replaced by A.
Protein change: p.Gly82Glu; replaces glycine 82 with glutamic acid.
Molecular consequence: missense variant. On other transcripts: 5 prime UTR variant (1).
Genome position (GRCh38, 1-based): chr20:35,465,744, G>A. VCF-style: chr20-35465744-G-A. GRCh37 (hg19) VCF-style: chr20-34053569-G-A.
Other names: c.-1655G>A (NM_001318219.1); c.245G>A (NM_007186.3); short protein forms G82E.
Identifiers: ClinVar variation 1495799 (VCV001495799.7), dbSNP rs1182415907, ClinGen allele CA408752561.
Genomic context (GRCh38, chr20:35,465,744, plus strand): 5'-AACTGGTCTGAGTGATGTTCTCTTTGGAGGTAAGTAAGGCTTGTCTCTGTCTGGCGCAGG[G>A]ACCAATCCCCCAGAGGTGGGAAAATGTGGAGGAGCCAAACCTGGATGAGCTGCTGGTCCG-3'
Protein context (NP_009117.2, residues 72-92): ELEKRLEATG[Gly82Glu]PIPQRWENVE